The following is an entry in ClinVar:

NM_004698.4(PRPF3):c.1132G>A (p.Glu378Lys)

Gene: PRPF3 (pre-mRNA processing factor 3; plus strand). Cytogenetic location: 1q21.2.
Variant type: single nucleotide variant.
Coding change: c.1132G>A on transcript NM_004698.4 (MANE Select); coding-DNA position 1132, G replaced by A.
Protein change: p.Glu378Lys; replaces glutamic acid 378 with lysine.
Molecular consequence: missense variant. On other transcripts: non-coding transcript variant (4).
Genome position (GRCh38, 1-based): chr1:150,338,256, G>A. VCF-style: chr1-150338256-G-A. GRCh37 (hg19) VCF-style: chr1-150310732-G-A.
Other names: c.727G>A, p.Glu243Lys (NM_001350529.1); short protein forms E243K, E378K.
Identifiers: ClinVar variation 2975362 (VCV002975362.3), dbSNP rs1043744478, ClinGen allele CA30050115.

ClinVar aggregate classification (germline): Uncertain significance (1 of 4 stars; one submission).

Allele frequency attached by ClinVar (database versions not stated): TOPMed below 0.00001; gnomAD 0.00001.
gnomAD v4.1: 2 of 1,613,904 alleles (0.00012%); highest among the groups gnomAD compares: Non-Finnish European, 0.00017%; no homozygotes.

Submission:

Labcorp Genetics (formerly Invitae), Labcorp
Classification: Uncertain significance. Last evaluated: 2022-12-25. Review status: criteria provided, single submitter. Criteria: Invitae Variant Classification Sherloc (09022015). Collection method: clinical testing. Allele origin: germline.
Comment: This variant is not present in population databases (gnomAD no frequency). This variant has not been reported in the literature in individuals affected with PRPF3-related conditions. Advanced modeling of protein sequence and biophysical properties (such as structural, functional, and spatial information, amino acid conservation, physicochemical variation, residue mobility, and thermodynamic stability) performed at Invitae indicates that this missense variant is not expected to disrupt PRPF3 protein function. In summary, the available evidence is currently insufficient to determine the role of this variant in disease. Therefore, it has been classified as a Variant of Uncertain Significance. This sequence change replaces glutamic acid, which is acidic and polar, with lysine, which is basic and polar, at codon 378 of the PRPF3 protein (p.Glu378Lys).